The following is an entry in ClinVar:

ClinVar aggregate classification (germline): Likely benign. Review status: criteria provided, multiple submitters, no conflicts (2 of 4 stars). 2 submissions from 2 submitters: Likely benign (2). Last evaluated 2025-07-25.

Conditions:
Nephronophthisis 14 (NPHP14). Identifiers: Orphanet 2318, MedGen C3539071, MONDO:0013916, OMIM 614844.

Allele frequency attached by ClinVar (database versions not stated): gnomAD exomes below 0.00001; ExAC 0.00001; TOPMed 0.00002.
gnomAD v4.1: 5 of 1,613,672 alleles (0.00031%); highest among the groups gnomAD compares: Non-Finnish European, 0.00034%; no homozygotes.

Submissions (2):

Mayo Clinic Laboratories, Mayo Clinic
Classification: Likely benign. Last evaluated: 2025-07-25. Review status: criteria provided, single submitter. Criteria: ACMG Guidelines, 2015. Collection method: clinical testing. Allele origin: germline. Observed: 1 variant allele.
Comment: BP4, BP7

Labcorp Genetics (formerly Invitae), Labcorp
Classification: Likely benign for Nephronophthisis 14. Last evaluated: 2021-10-10. Review status: criteria provided, single submitter. Criteria: Invitae Variant Classification Sherloc (09022015). Collection method: clinical testing. Allele origin: germline.

NM_001379286.1(ZNF423):c.2022G>A (p.Gln674=)

Gene: ZNF423 (zinc finger protein 423; minus strand). Cytogenetic location: 16q12.1.
Variant type: single nucleotide variant.
Coding change: c.2022G>A on transcript NM_001379286.1 (MANE Select); coding-DNA position 2022, G replaced by A.
Protein change: p.Gln674=; no amino-acid change (glutamine 674 retained).
Molecular consequence: synonymous variant.
Genome position (GRCh38, 1-based): chr16:49,637,154, C>T on the plus strand (G>A on the coding strand, the complement: ZNF423 is on the minus strand). VCF-style: chr16-49637154-C-T. GRCh37 (hg19) VCF-style: chr16-49671065-C-T.
Other names: p.Gln666=; c.1818G>A, p.Gln606= (NM_001271620.2); c.1647G>A, p.Gln549= (NM_001330533.2); c.1998G>A, p.Gln666= (NM_015069.5); c.1998G>A (NM_015069.4).
Identifiers: ClinVar variation 1090497 (VCV001090497.10), dbSNP rs755306842, ClinGen allele CA8046582.